The following is an entry in ClinVar:

NM_014806.5(RUSC2):c.3319G>A (p.Ala1107Thr)

Gene: RUSC2 (RUN and SH3 domain containing 2; plus strand). Cytogenetic location: 9p13.3.
Variant type: single nucleotide variant.
Coding change: c.3319G>A on transcript NM_014806.5 (MANE Select); coding-DNA position 3319, G replaced by A.
Protein change: p.Ala1107Thr; replaces alanine 1107 with threonine.
Molecular consequence: missense variant. On other transcripts: non-coding transcript variant (1).
Genome position (GRCh38, 1-based): chr9:35,558,545, G>A. VCF-style: chr9-35558545-G-A. GRCh37 (hg19) VCF-style: chr9-35558542-G-A.
Other names: c.3319G>A, p.Ala1107Thr (NM_001135999.2); c.685G>A, p.Ala229Thr (NM_001330740.2); short protein forms A1107T, A229T.
Identifiers: ClinVar variation 1909636 (VCV001909636.4), dbSNP rs754211893, ClinGen allele CA5044111.

ClinVar aggregate classification (germline): Uncertain significance (1 of 4 stars; one submission).

Allele frequency attached by ClinVar (database versions not stated): gnomAD exomes below 0.00001; ExAC 0.00001.
gnomAD v4.1: 4 of 1,614,014 alleles (0.00025%); highest among the groups gnomAD compares: South Asian, 0.0011%; no homozygotes.

Submission:

Labcorp Genetics (formerly Invitae), Labcorp
Classification: Uncertain significance. Last evaluated: 2022-07-13. Review status: criteria provided, single submitter. Criteria: Invitae Variant Classification Sherloc (09022015). Collection method: clinical testing. Allele origin: germline.
Comment: In summary, the available evidence is currently insufficient to determine the role of this variant in disease. Therefore, it has been classified as a Variant of Uncertain Significance. Algorithms developed to predict the effect of missense changes on protein structure and function are either unavailable or do not agree on the potential impact of this missense change (SIFT: "Deleterious"; PolyPhen-2: "Probably Damaging"; Align-GVGD: "Class C0"). This variant has not been reported in the literature in individuals affected with RUSC2-related conditions. This variant is present in population databases (rs754211893, gnomAD 0.0009%). This sequence change replaces alanine, which is neutral and non-polar, with threonine, which is neutral and polar, at codon 1107 of the RUSC2 protein (p.Ala1107Thr).